The following is an entry in ClinVar:

NM_004855.5(PIGB):c.1460A>T (p.Glu487Val)

Gene: PIGB (phosphatidylinositol glycan anchor biosynthesis class B; plus strand). Cytogenetic location: 15q21.3.
Variant type: single nucleotide variant.
Coding change: c.1460A>T on transcript NM_004855.5 (MANE Select); coding-DNA position 1460, A replaced by T.
Protein change: p.Glu487Val; replaces glutamic acid 487 with valine.
Molecular consequence: missense variant.
Genome position (GRCh38, 1-based): chr15:55,354,920, A>T. VCF-style: chr15-55354920-A-T. GRCh37 (hg19) VCF-style: chr15-55647118-A-T.
Other names: short protein forms E487V.
Identifiers: ClinVar variation 1507539 (VCV001507539.6), dbSNP rs747230231, ClinGen allele CA7574105.

ClinVar aggregate classification (germline): Uncertain significance (1 of 4 stars; one submission).

Allele frequency attached by ClinVar (database versions not stated): gnomAD exomes below 0.00001; ExAC 0.00001.

Submission:

Labcorp Genetics (formerly Invitae), Labcorp
Classification: Uncertain significance. Last evaluated: 2025-04-17. Review status: criteria provided, single submitter. Criteria: Invitae Variant Classification Sherloc (09022015). Collection method: clinical testing. Allele origin: germline.
Comment: This sequence change replaces glutamic acid, which is acidic and polar, with valine, which is neutral and non-polar, at codon 487 of the PIGB protein (p.Glu487Val). This variant is present in population databases (rs747230231, gnomAD 0.004%). This variant has not been reported in the literature in individuals affected with PIGB-related conditions. ClinVar contains an entry for this variant (Variation ID: 1507539). Invitae Evidence Modeling of protein sequence and biophysical properties (such as structural, functional, and spatial information, amino acid conservation, physicochemical variation, residue mobility, and thermodynamic stability) indicates that this missense variant is not expected to disrupt PIGB protein function with a negative predictive value of 80%. In summary, the available evidence is currently insufficient to determine the role of this variant in disease. Therefore, it has been classified as a Variant of Uncertain Significance.